The following is an entry in ClinVar:

ClinVar aggregate classification (germline): Likely pathogenic (1 of 4 stars; one submission).

Submission:

Labcorp Genetics (formerly Invitae), Labcorp
Classification: Likely pathogenic. Last evaluated: 2024-10-24. Review status: criteria provided, single submitter. Criteria: Invitae Variant Classification Sherloc (09022015). Collection method: clinical testing. Allele origin: germline.
Comment: This sequence change affects a donor splice site in intron 23 of the PTPN23 gene. It is expected to disrupt RNA splicing. Variants that disrupt the donor or acceptor splice site typically lead to a loss of protein function (PMID: 16199547), and loss-of-function variants in PTPN23 are known to be pathogenic (PMID: 29090338, 29899372). This variant is not present in population databases (gnomAD no frequency). This variant has not been reported in the literature in individuals affected with PTPN23-related conditions. Algorithms developed to predict the effect of sequence changes on RNA splicing suggest that this variant may disrupt the consensus splice site. In summary, the currently available evidence indicates that the variant is pathogenic, but additional data are needed to prove that conclusively. Therefore, this variant has been classified as Likely Pathogenic.

Literature cited by the submitters: PubMed 16199547; PubMed 29090338; PubMed 29899372.

NM_015466.4(PTPN23):c.4317+1G>A

Gene: PTPN23 (protein tyrosine phosphatase non-receptor type 23; plus strand). Cytogenetic location: 3p21.31.
Variant type: single nucleotide variant.
Coding change: c.4317+1G>A on transcript NM_015466.4 (MANE Select); the canonical splice donor site of the intron after coding-DNA position 4317, G replaced by A.
Molecular consequence: splice donor variant.
Genome position (GRCh38, 1-based): chr3:47,412,422, G>A. VCF-style: chr3-47412422-G-A. GRCh37 (hg19) VCF-style: chr3-47453912-G-A.
Other names: c.3939+1G>A (NM_001304482.2).
Identifiers: ClinVar variation 2850775 (VCV002850775.3), dbSNP rs2546258996, ClinGen allele CA352566619.